The following is an entry in ClinVar:

ClinVar aggregate classification (germline): Uncertain significance. Review status: criteria provided, multiple submitters, no conflicts (2 of 4 stars). 5 submissions from 5 submitters: Uncertain significance (5). Last evaluated 2025-07-23.

Conditions:
Glycogen storage disease, type VII (GSD7). Also called: GSD VII; MUSCLE PHOSPHOFRUCTOKINASE DEFICIENCY; PFKM DEFICIENCY; TARUI DISEASE. Identifiers: Orphanet 371, MedGen C0017926, MONDO:0009295, OMIM 232800.

Allele frequency attached by ClinVar (database versions not stated): TOPMed 0.00014; gnomAD exomes 0.00018 and 0.00028; gnomAD 0.00021 and 0.00022; ExAC 0.00024; ESP Exome Variant Server 0.00031.

Submissions (5):

Revvity Omics, Revvity
Classification: Uncertain significance for Glycogen storage disease, type VII. Last evaluated: 2025-07-23. Review status: criteria provided, single submitter. Criteria: ACMG Guidelines, 2015. Collection method: clinical testing. Allele origin: germline.

Mayo Clinic Laboratories, Mayo Clinic
Classification: Uncertain significance. Last evaluated: 2025-07-10. Review status: criteria provided, single submitter. Criteria: ACMG Guidelines, 2015. Collection method: clinical testing. Allele origin: germline. Observed: 2 variant alleles.
Comment: PP3

CeGaT Center for Human Genetics Tuebingen
Classification: Uncertain significance. Last evaluated: 2025-02-01. Review status: criteria provided, single submitter. Criteria: CeGaT Center For Human Genetics Tuebingen Variant Classification Criteria Version 2. Collection method: clinical testing. Allele origin: germline. Affected: yes. Observed: 1 variant allele.
Comment: PFKM: PM2, PP2, PP3

Labcorp Genetics (formerly Invitae), Labcorp
Classification: Uncertain significance for Glycogen storage disease, type VII. Last evaluated: 2022-08-01. Review status: criteria provided, single submitter. Criteria: Invitae Variant Classification Sherloc (09022015). Collection method: clinical testing. Allele origin: germline.
Comment: This sequence change replaces histidine, which is basic and polar, with arginine, which is basic and polar, at codon 734 of the PFKM protein (p.His734Arg). This variant is present in population databases (rs141570669, gnomAD 0.03%). This variant has not been reported in the literature in individuals affected with PFKM-related conditions. ClinVar contains an entry for this variant (Variation ID: 308958). Algorithms developed to predict the effect of missense changes on protein structure and function (SIFT, PolyPhen-2, Align-GVGD) all suggest that this variant is likely to be tolerated. In summary, the available evidence is currently insufficient to determine the role of this variant in disease. Therefore, it has been classified as a Variant of Uncertain Significance.

Illumina Laboratory Services, Illumina
Classification: Uncertain significance for Glycogen storage disease, type VII. Last evaluated: 2018-01-12. Review status: criteria provided, single submitter. Criteria: ICSL Variant Classification Criteria 13 December 2019. Collection method: clinical testing. Allele origin: germline.

NM_000289.6(PFKM):c.2201A>G (p.His734Arg)

Gene: PFKM (phosphofructokinase, muscle; plus strand). Cytogenetic location: 12q13.11.
Variant type: single nucleotide variant.
Coding change: c.2201A>G on transcript NM_000289.6 (MANE Select); coding-DNA position 2201, A replaced by G.
Protein change: p.His734Arg; replaces histidine 734 with arginine.
Molecular consequence: missense variant. On other transcripts: non-coding transcript variant (6).
Genome position (GRCh38, 1-based): chr12:48,145,566, A>G. VCF-style: chr12-48145566-A-G. GRCh37 (hg19) VCF-style: chr12-48539349-A-G.
Other names: p.His734Arg; c.2414A>G, p.His805Arg (NM_001166686.2, NM_001354737.1, NM_001354738.1 and 1 more transcripts); c.2201A>G, p.His734Arg (NM_001166687.2, NM_001166688.2, NM_001354742.2 and 2 more transcripts); c.2510A>G, p.His837Arg (NM_001354735.1, NM_001354736.1); c.2345A>G, p.His782Arg (NM_001354740.1); c.2225A>G, p.His742Arg (NM_001354741.2); c.2114A>G, p.His705Arg (NM_001354745.2); c.2075A>G, p.His692Arg (NM_001354746.2); and 2 more; short protein forms H805R, H734R, H684R, H703R, H742R, H782R, H837R, H692R.
Identifiers: ClinVar variation 308958 (VCV000308958.15), dbSNP rs141570669, ClinGen allele CA6537575.